The following is an entry in ClinVar:

ClinVar aggregate classification (germline): Pathogenic (1 of 4 stars; one submission).

Conditions:
Cardiovascular phenotype. Identifiers: MedGen CN230736.
Hereditary cancer-predisposing syndrome. Also called: Neoplastic Syndromes, Hereditary; Tumor predisposition; Hereditary Cancer Syndrome; Hereditary neoplastic syndrome. Identifiers: Orphanet 140162, MedGen C0027672, MeSH D009386, MONDO:0015356.

Submission:

Ambry Genetics
Classification: Pathogenic for Cardiovascular phenotype; Hereditary cancer-predisposing syndrome. Last evaluated: 2017-05-19. Review status: criteria provided, single submitter. Criteria: Ambry Variant Classification Scheme 2023. Collection method: clinical testing. Allele origin: germline.
Comment: The c.2388dupA pathogenic mutation, located in coding exon 20 of the NF1 gene, results from a duplication of A at nucleotide position 2388, causing a translational frameshift with a predicted alternate stop codon (p.A797Sfs*10). This alteration is expected to result in loss of function by premature protein truncation or nonsense-mediated mRNA decay. As such, this alteration is interpreted as a disease-causing mutation.

NM_001042492.3(NF1):c.2388dup (p.Ala797fs)

Gene: NF1 (neurofibromin 1; plus strand). Cytogenetic location: 17q11.2.
Variant type: Duplication.
Coding change: c.2388dup on transcript NM_001042492.3 (MANE Select); coding-DNA position 2388, one base duplicated (A; older notation c.2388dupA).
Protein change: p.Ala797fs; shifts the reading frame from alanine 797.
Molecular consequence: frameshift variant.
Genome position (GRCh38, 1-based): chr17:31,227,585, A duplicated; the last of 4 consecutive A bases (chr17:31,227,582-31,227,585); duplicating any one gives the same sequence. VCF-style (leftmost placement, unchanged base first): chr17-31227581-C-CA. GRCh37 (hg19) VCF-style: chr17-29554599-C-CA.
Other names: c.2388dupA (NM_000267.3); c.2388dup, p.Ala797Serfs (NM_000267.4); short protein forms A797fs.
Identifiers: ClinVar variation 484131 (VCV000484131.5), dbSNP rs1555614011, ClinGen allele CA658656614.
Genomic context (GRCh38, chr17:31,227,581, plus strand): 5'-AGGCTTGGGAAGATACACATGCAAAATGGGAACAAGCAACAAAGCTAATCCTTAACTATC[C>CA]AAAAGCCAAAATGGAAGATGGCCAGGTAAGTCTGTAAAGTTGACTTTTGTCTGTTAACTG-3'